The following is an entry in ClinVar:

ClinVar aggregate classification (germline): Conflicting classifications of pathogenicity. Review status: criteria provided, conflicting classifications (1 of 4 stars). 12 submissions from 11 submitters: Pathogenic (2); Likely pathogenic (5); Uncertain significance (3). 2 of the submissions do not count toward it. Last evaluated 2025-10-16.

Conditions:
MOCS2-related disorders.
MOCS2-related molybdenum cofactor deficiency.
MOCS2-related disorder. Also called: MOCS2-related condition.
Sulfite oxidase deficiency due to molybdenum cofactor deficiency type B1 (MOCODB1). Also called: Molybdenum cofactor deficiency B; Sulfite oxidase deficiency due to molybdenum cofactor deficiency type B; MOLYBDENUM COFACTOR DEFICIENCY, TYPE B1; Molybdenum cofactor deficiency, complementation group B. Identifiers: Orphanet 308393, Orphanet 833, MedGen C6065887, MONDO:0009644, OMIM 252160.

Allele frequency attached by ClinVar (database versions not stated): gnomAD 0.00001; gnomAD exomes 0.00003 and 0.00004; ExAC 0.00005.

Submissions (12):

Rady Children's Institute for Genomic Medicine, Rady Children's Hospital San Diego
Classification: Likely pathogenic for MOCS2-related molybdenum cofactor deficiency. Last evaluated: 2025-10-16. Review status: criteria provided, single submitter. Criteria: ACMG Guidelines, 2015. Collection method: clinical testing. Allele origin: germline. Affected: yes.
Comment: This variant is also referred to as c.413G>A in the literature. This variant affects the last nucleotide of exon 4 and multiple splice prediction tools suggest this variant is likely to interfere with normal splicing and create a cryptic splice donor site 4 bp upstream of the natural one. However, to our knowledge, RNA-based splicing analysis has not been performed to clarify the effect of this alteration on splicing. The c.226G>A (p.Gly76Arg) variant affects a highly conserved amino acid and is predicted by multiple in silico tools to have a deleterious effect on protein function. This variant has been previously reported as a homozygous change in patients with clinical and/or biochemical findings consistent with molybdenum cofactor deficiency type B (PMID: 12754701, 21907887, 22403017, 39400946, 37596007, 35192225). The c.226G>A (p.Gly76Arg) variant is present in the latest version of the gnomAD population database at an allele frequency of 0.003% (45/1613498), and is absent in the homozygous state, thus is presumed to be rare. Based on the available evidence, c.226G>A (p.Gly76Arg) is classified as Likely Pathogenic.

Institute of Human Genetics, University of Leipzig Medical Center
Classification: Pathogenic for Sulfite oxidase deficiency due to molybdenum cofactor deficiency type B1. Last evaluated: 2024-10-09. Review status: criteria provided, single submitter. Criteria: ACMG Guidelines, 2015. Collection method: clinical testing. Allele origin: inherited. Inheritance: Autosomal recessive inheritance. Affected: yes.
Comment: Criteria applied: PM3_VSTR,PP3, PM2_SUP

CeGaT Center for Human Genetics Tuebingen
Classification: Likely pathogenic. Last evaluated: 2024-06-01. Review status: criteria provided, single submitter. Criteria: CeGaT Center For Human Genetics Tuebingen Variant Classification Criteria Version 2. Collection method: clinical testing. Allele origin: germline. Affected: yes. Observed: 2 variant alleles.
Comment: MOCS2: PM3:Strong, PM2, PP3

Blueprint Genetics
Classification: Likely pathogenic for MOCS2-related disorders. Last evaluated: 2024-03-01. Review status: criteria provided, single submitter. Criteria: ACMG Guidelines, 2015. Collection method: clinical testing. Allele origin: germline. Affected: yes. Observed: 3 variant alleles.

Revvity Omics, Revvity
Classification: Uncertain significance for Sulfite oxidase deficiency due to molybdenum cofactor deficiency type B1. Last evaluated: 2023-11-22. Review status: criteria provided, single submitter. Criteria: ACMG Guidelines, 2015. Collection method: clinical testing. Allele origin: germline.

Department of Pathology and Laboratory Medicine, Sinai Health System
Classification: Uncertain significance for Sulfite oxidase deficiency due to molybdenum cofactor deficiency type B1. Last evaluated: 2023-04-11. Review status: criteria provided, single submitter. Criteria: ACMG Guidelines, 2015. Collection method: research. Allele origin: germline.

Labcorp Genetics (formerly Invitae), Labcorp
Classification: Uncertain significance. Last evaluated: 2022-08-09. Review status: criteria provided, single submitter. Criteria: Invitae Variant Classification Sherloc (09022015). Collection method: clinical testing. Allele origin: germline.
Comment: This sequence change replaces glycine, which is neutral and non-polar, with arginine, which is basic and polar, at codon 76 of the MOCS2B protein (p.Gly76Arg). This variant also falls at the last nucleotide of exon 4, which is part of the consensus splice site for this exon. This variant is present in population databases (rs780085174, gnomAD 0.04%). This missense change has been observed in individual(s) with molybdenum cofactor deficiency (PMID: 12754701). ClinVar contains an entry for this variant (Variation ID: 419958). Algorithms developed to predict the effect of missense changes on protein structure and function (SIFT, PolyPhen-2, Align-GVGD) all suggest that this variant is likely to be disruptive. Variants that disrupt the consensus splice site are a relatively common cause of aberrant splicing (PMID: 17576681, 9536098). Algorithms developed to predict the effect of sequence changes on RNA splicing suggest that this variant may create or strengthen a splice site. In summary, the available evidence is currently insufficient to determine the role of this variant in disease. Therefore, it has been classified as a Variant of Uncertain Significance.

GeneDx
Classification: Pathogenic. Last evaluated: 2022-03-02. Review status: criteria provided, single submitter. Criteria: GeneDx Variant Classification Process June 2021. Collection method: clinical testing. Allele origin: germline. Affected: yes.
Comment: Splice site variant of the last nucleotide of the exon in a gene for which loss-of-function is a known mechanism of disease, and splice predictors support a deleterious effect.; In silico analysis, which includes protein predictors and evolutionary conservation, supports a deleterious effect; in addition, in silico splice predictors suggest this variant may lead to abnormal gene splicing, but in the absence of RNA/functional studies, the actual effect of this sequence change is unknown; This variant is associated with the following publications: (PMID: 21031595, 28900816, 22403017, 12754701, 31201073, 21907887)

MGZ Medical Genetics Center
Classification: Likely pathogenic for Sulfite oxidase deficiency due to molybdenum cofactor deficiency type B1. Last evaluated: 2021-12-16. Review status: criteria provided, single submitter. Criteria: ACMG Guidelines, 2015. Collection method: clinical testing. Allele origin: germline. Affected: yes. Observed: 1 variant allele.
Comment: ACMG criteria applied: PS4, PM3, PM2_SUP, PP3

Rady Children's Institute for Genomic Medicine, Rady Children's Hospital San Diego
Classification: Likely pathogenic for MOLYBDENUM COFACTOR DEFICIENCY, COMPLEMENTATION GROUP B. Last evaluated: 2020-09-30. Review status: criteria provided, single submitter. Criteria: ACMG Guidelines, 2015. Collection method: clinical testing. Allele origin: germline. Affected: yes.
Comment: This variant, also referred to as c.413G>A in the literature, has been previously reported in association with Molybdenum Cofactor Deficiency (PMID: 12754701, 22403017, 28900816, 21907887). The c.226G>A variant is predicted by multiple in silico tools to damage or destroy the natural splice donor site of intron 4 and create a cryptic splice donor site 4 bp upstream of the natural one. If this variant does not alter splicing, it will result in the p.Gly76Arg missense change. The c.226G>A (p.Gly76Arg) variant affects a highly conserved amino acid and is predicted by multiple in silico tools to have a deleterious effect on protein function. It is present in the heterozygous state in the gnomAD population database at a frequency of 0.0044% (11/250780) and thus is presumed to be rare. Based on the available evidence, the c.226G>A (p.Gly76Arg) variant is classified as Likely Pathogenic.

PreventionGenetics, part of Exact Sciences
Classification: Pathogenic for MOCS2-related condition. Last evaluated: 2024-05-02. Review status: no assertion criteria provided. Collection method: clinical testing. Allele origin: germline. Not counted in ClinVar's aggregate classification.
Comment: The MOCS2 c.226G>A variant is predicted to result in the amino acid substitution p.Gly76Arg. This variant has also been described as c.413G>A based on alternate nomenclature outlined in Reiss and Hahnewald. 2011. PubMed ID: 21031595. This variant has been reported in the homozygous state in multiple individuals classified with severe molybdenum cofactor deficiency (Reiss and Johnson. 2003. PubMed ID: 12754701; Vijayakumar et al. 2011. PubMed ID: 21907887; Hinderhofer et al. 2017. PubMed ID: 28900816; Spiegel et al 2022. PubMed ID: 35192225). The c.226G nucleotide is the last nucleotide in exon 4 of the MOCS2 NM_004531 transcript, and the c.226G>A substitution is predicted by in silico splicing prediction programs to weaken the adjacent canonical splice donor site and increase the strength of a nearby cryptic splice donor site within exon 4, possibly leading to aberrant splicing (SpliceAI, Jaganathan et al. 2019. PubMed ID: 30661751). Consistent with this observation, Reiss and Johnson reported that the c.226G>A substitution (using the c.413G>A alternate nomenclature) lead to the deletion of 4 base pairs in all MOCS2 transcripts, resulting in premature protein termination (see Table 2 in Reiss and Johnson. 2003. PubMed ID: 12754701). Based on these observations, we classify the c.226G>A (p.Gly76Arg) variant as pathogenic.

Hong-Tao Li Lab, Institute of Brain Science and Brain-inspired Research, Shandong First Medical University & Shandong Academy of Medical Sciences China
Classification: Likely pathogenic for Sulfite oxidase deficiency due to molybdenum cofactor deficiency type B1. Review status: no assertion criteria provided. Collection method: research. Allele origin: germline. Inheritance: Autosomal recessive inheritance. Affected: yes. Observed: 1 variant allele, 1 homozygote. Not counted in ClinVar's aggregate classification.
Comment: Observed in affected individuals from a Pakistani neurodevelopmental-disorder research cohort of 263 individuals. Classification assigned using the ACMG/AMP framework. Population-frequency evidence: gnomAD AF 4.386e-05.

Literature cited by the submitters: PubMed 10053004 (cited by Rady Children's Institute for Genomic Medicine, Rady Children's Hospital San Diego); PubMed 10746556 (cited by Rady Children's Institute for Genomic Medicine, Rady Children's Hospital San Diego); PubMed 12754701 (cited by Rady Children's Institute for Genomic Medicine, Rady Children's Hospital San Diego and Labcorp Genetics (formerly Invitae), Labcorp); PubMed 16021469 (cited by Rady Children's Institute for Genomic Medicine, Rady Children's Hospital San Diego); PubMed 21907887 (cited by Rady Children's Institute for Genomic Medicine, Rady Children's Hospital San Diego); PubMed 22403017 (cited by Rady Children's Institute for Genomic Medicine, Rady Children's Hospital San Diego); PubMed 23539623 (cited by Rady Children's Institute for Genomic Medicine, Rady Children's Hospital San Diego); PubMed 26644055 (cited by Rady Children's Institute for Genomic Medicine, Rady Children's Hospital San Diego); PubMed 28900816 (cited by Rady Children's Institute for Genomic Medicine, Rady Children's Hospital San Diego); PubMed 30900395 (cited by Rady Children's Institute for Genomic Medicine, Rady Children's Hospital San Diego); PubMed 31201073 (cited by Rady Children's Institute for Genomic Medicine, Rady Children's Hospital San Diego); PubMed 35192225 (cited by Rady Children's Institute for Genomic Medicine, Rady Children's Hospital San Diego); PubMed 37596007 (cited by Rady Children's Institute for Genomic Medicine, Rady Children's Hospital San Diego); PubMed 39400946 (cited by Rady Children's Institute for Genomic Medicine, Rady Children's Hospital San Diego); PubMed 17576681 (cited by Labcorp Genetics (formerly Invitae), Labcorp); PubMed 9536098 (cited by Labcorp Genetics (formerly Invitae), Labcorp).

NM_004531.5(MOCS2):c.226G>A (p.Gly76Arg)

Gene: MOCS2 (molybdenum cofactor synthesis 2; minus strand). Cytogenetic location: 5q11.2.
Variant type: single nucleotide variant.
Coding change: c.226G>A on transcript NM_004531.5 (MANE Select); coding-DNA position 226, G replaced by A.
Protein change: p.Gly76Arg; replaces glycine 76 with arginine.
Molecular consequence: missense variant. On other transcripts: 3 prime UTR variant (1).
Genome position (GRCh38, 1-based): chr5:53,102,097, C>T on the plus strand (G>A on the coding strand, the complement: MOCS2 is on the minus strand). VCF-style: chr5-53102097-C-T. GRCh37 (hg19) VCF-style: chr5-52397927-C-T.
Other names: c.*146G>A (NM_176806.4); short protein forms G76R.
Identifiers: ClinVar variation 419958 (VCV000419958.37), dbSNP rs780085174, ClinGen allele CA3263693.